The following is an entry in ClinVar:

NM_000090.4(COL3A1):c.1778A>T (p.Asn593Ile)

Gene: COL3A1 (collagen type III alpha 1 chain; plus strand). Cytogenetic location: 2q32.2.
Variant type: single nucleotide variant.
Coding change: c.1778A>T on transcript NM_000090.4 (MANE Select); coding-DNA position 1778, A replaced by T.
Protein change: p.Asn593Ile; replaces asparagine 593 with isoleucine.
Molecular consequence: missense variant.
Genome position (GRCh38, 1-based): chr2:188,997,181, A>T. VCF-style: chr2-188997181-A-T. GRCh37 (hg19) VCF-style: chr2-189861907-A-T.
Other names: short protein forms N593I.
Identifiers: ClinVar variation 2763869 (VCV002763869.3), dbSNP rs2469137670, ClinGen allele CA349853233.

ClinVar aggregate classification (germline): Uncertain significance (1 of 4 stars; one submission).

Conditions:
Ehlers-Danlos syndrome, type 4 (EDSVASC). Also called: Ehlers-Danlos Syndrome Type IV; Ehlers-Danlos syndrome vascular type; Ehlers Danlos syndrome, ecchymotic type; Ehlers Danlos syndrome, arterial type; Ehlers Danlos syndrome, Sack-Barabas type. Identifiers: Orphanet 286, MedGen C0268338, MONDO:0017314, OMIM 130050.

Submission:

Labcorp Genetics (formerly Invitae), Labcorp
Classification: Uncertain significance for Ehlers-Danlos syndrome, type 4. Last evaluated: 2025-02-11. Review status: criteria provided, single submitter. Criteria: Invitae Variant Classification Sherloc (09022015). Collection method: clinical testing. Allele origin: germline.
Comment: This sequence change replaces asparagine, which is neutral and polar, with isoleucine, which is neutral and non-polar, at codon 593 of the COL3A1 protein (p.Asn593Ile). This variant is not present in population databases (gnomAD no frequency). This variant has not been reported in the literature in individuals affected with COL3A1-related conditions. ClinVar contains an entry for this variant (Variation ID: 2763869). Invitae Evidence Modeling of protein sequence and biophysical properties (such as structural, functional, and spatial information, amino acid conservation, physicochemical variation, residue mobility, and thermodynamic stability) indicates that this missense variant is not expected to disrupt COL3A1 protein function with a negative predictive value of 95%. In summary, the available evidence is currently insufficient to determine the role of this variant in disease. Therefore, it has been classified as a Variant of Uncertain Significance.